The following is an entry in ClinVar:

NM_000188.3(HK1):c.1508C>G (p.Thr503Arg)

Gene: HK1 (hexokinase 1; plus strand). Cytogenetic location: 10q22.1.
Variant type: single nucleotide variant.
Coding change: c.1508C>G on transcript NM_000188.3 (MANE Select); coding-DNA position 1508, C replaced by G.
Protein change: p.Thr503Arg; replaces threonine 503 with arginine.
Molecular consequence: missense variant.
Genome position (GRCh38, 1-based): chr10:69,382,729, C>G. VCF-style: chr10-69382729-C-G. GRCh37 (hg19) VCF-style: chr10-71142485-C-G.
Other names: c.1520C>G, p.Thr507Arg (NM_001322364.2, NM_001358263.1, NM_033497.3 and 1 more transcripts); c.1613C>G, p.Thr538Arg (NM_001322365.2); c.1424C>G, p.Thr475Arg (NM_001322366.1); c.1412C>G, p.Thr471Arg (NM_001322367.1); c.1505C>G, p.Thr502Arg (NM_033496.3); c.1472C>G, p.Thr491Arg (NM_033500.2); short protein forms T502R, T507R, T475R, T491R, T503R, T471R, T538R.
Identifiers: ClinVar variation 2789992 (VCV002789992.3), dbSNP rs755620381, ClinGen allele CA376910136.

ClinVar aggregate classification (germline): Uncertain significance (1 of 4 stars; one submission).

gnomAD v4.1: 2 of 1,613,426 alleles (0.00012%); no homozygotes.

Submission:

Labcorp Genetics (formerly Invitae), Labcorp
Classification: Uncertain significance. Last evaluated: 2023-10-18. Review status: criteria provided, single submitter. Criteria: Invitae Variant Classification Sherloc (09022015). Collection method: clinical testing. Allele origin: germline.
Comment: This sequence change replaces threonine, which is neutral and polar, with arginine, which is basic and polar, at codon 503 of the HK1 protein (p.Thr503Arg). This variant is present in population databases (no rsID available, gnomAD 0.01%). This variant has not been reported in the literature in individuals affected with HK1-related conditions. Advanced modeling of protein sequence and biophysical properties (such as structural, functional, and spatial information, amino acid conservation, physicochemical variation, residue mobility, and thermodynamic stability) performed at Invitae indicates that this missense variant is not expected to disrupt HK1 protein function. In summary, the available evidence is currently insufficient to determine the role of this variant in disease. Therefore, it has been classified as a Variant of Uncertain Significance.